The following is an entry in ClinVar:

ClinVar aggregate classification (germline): Uncertain significance (1 of 4 stars; one submission).

Allele frequency attached by ClinVar (database versions not stated): gnomAD 0.00001; gnomAD exomes 0.00002 and 0.00007.

Submission:

Labcorp Genetics (formerly Invitae), Labcorp
Classification: Uncertain significance. Last evaluated: 2024-10-17. Review status: criteria provided, single submitter. Criteria: Invitae Variant Classification Sherloc (09022015). Collection method: clinical testing. Allele origin: germline.
Comment: This sequence change replaces proline, which is neutral and non-polar, with serine, which is neutral and polar, at codon 584 of the ZCCHC8 protein (p.Pro584Ser). This variant is present in population databases (no rsID available, gnomAD 0.02%). This variant has not been reported in the literature in individuals affected with ZCCHC8-related conditions. ClinVar contains an entry for this variant (Variation ID: 1469298). Invitae Evidence Modeling of protein sequence and biophysical properties (such as structural, functional, and spatial information, amino acid conservation, physicochemical variation, residue mobility, and thermodynamic stability) indicates that this missense variant is not expected to disrupt ZCCHC8 protein function with a negative predictive value of 80%. In summary, the available evidence is currently insufficient to determine the role of this variant in disease. Therefore, it has been classified as a Variant of Uncertain Significance.

NM_017612.5(ZCCHC8):c.1750C>T (p.Pro584Ser)

Gene: ZCCHC8 (zinc finger CCHC-type containing 8; minus strand). Cytogenetic location: 12q24.31.
Variant type: single nucleotide variant.
Coding change: c.1750C>T on transcript NM_017612.5 (MANE Select); coding-DNA position 1750, C replaced by T.
Protein change: p.Pro584Ser; replaces proline 584 with serine.
Molecular consequence: missense variant.
Genome position (GRCh38, 1-based): chr12:122,473,871, G>A on the plus strand (C>T on the coding strand, the complement: ZCCHC8 is on the minus strand). VCF-style: chr12-122473871-G-A. GRCh37 (hg19) VCF-style: chr12-122958418-G-A.
Other names: c.1519C>T, p.Pro507Ser (NM_001350935.2); c.1453C>T, p.Pro485Ser (NM_001350936.2); c.1036C>T, p.Pro346Ser (NM_001350937.2, NM_001350938.2); short protein forms P584S, P346S, P485S, P507S.
Identifiers: ClinVar variation 1469298 (VCV001469298.8), dbSNP rs1459208875, ClinGen allele CA387047774.